The following is an entry in ClinVar:

ClinVar aggregate classification (germline): Benign. Review status: criteria provided, multiple submitters, no conflicts (2 of 4 stars). 3 submissions from 3 submitters: Benign (3). Last evaluated 2026-01-28.

Allele frequency attached by ClinVar (database versions not stated): ExAC 0.00933; 1000 Genomes Project 0.00938; gnomAD 0.01013 and 0.01103; ESP Exome Variant Server 0.01065; TOPMed 0.01126; gnomAD exomes 0.00277; 1000 Genomes Project 30x 0.00906.

Submissions (3):

Labcorp Genetics (formerly Invitae), Labcorp
Classification: Benign. Last evaluated: 2026-01-28. Review status: criteria provided, single submitter. Criteria: Invitae Variant Classification Sherloc (09022015). Collection method: clinical testing. Allele origin: germline.

GeneDx
Classification: Benign. Last evaluated: 2016-03-09. Review status: criteria provided, single submitter. Criteria: GeneDx Variant Classification (06012015). Collection method: clinical testing. Allele origin: germline. Affected: yes.
Comment: This variant is considered likely benign or benign based on one or more of the following criteria: it is a conservative change, it occurs at a poorly conserved position in the protein, it is predicted to be benign by multiple in silico algorithms, and/or has population frequency not consistent with disease.

Breakthrough Genomics
Classification: Benign. Review status: criteria provided, single submitter. Criteria: ACMG Guidelines, 2015. Collection method: not provided. Allele origin: germline. Inheritance: Autosomal recessive inheritance. Affected: yes.

NM_016417.3(GLRX5):c.198G>A (p.Gln66=)

Gene: GLRX5 (glutaredoxin 5; plus strand). Cytogenetic location: 14q32.13.
Variant type: single nucleotide variant.
Coding change: c.198G>A on transcript NM_016417.3 (MANE Select); coding-DNA position 198, G replaced by A.
Protein change: p.Gln66=; no amino-acid change (glutamine 66 retained).
Molecular consequence: synonymous variant.
Genome position (GRCh38, 1-based): chr14:95,535,287, G>A. VCF-style: chr14-95535287-G-A. GRCh37 (hg19) VCF-style: chr14-96001624-G-A.
Identifiers: ClinVar variation 382968 (VCV000382968.13), dbSNP rs28680410, ClinGen allele CA7333892.